The following is an entry in ClinVar:

ClinVar aggregate classification (germline): Uncertain significance. Review status: criteria provided, multiple submitters, no conflicts (2 of 4 stars). 2 submissions from 2 submitters: Uncertain significance (2). Last evaluated 2023-12-14.

Conditions:
Progressive familial heart block type IB (PFHB1B). Identifiers: Orphanet 871, MedGen C1970298, MONDO:0011474, OMIM 604559.

Submissions (2):

GeneDx
Classification: Uncertain significance. Last evaluated: 2023-12-14. Review status: criteria provided, single submitter. Criteria: GeneDx Variant Classification Process June 2021. Collection method: clinical testing. Allele origin: germline. Affected: yes.
Comment: Not observed in large population cohorts (gnomAD; McVean et al., 2012; Exome Variant Server); In silico analysis, which includes protein predictors and evolutionary conservation, supports that this variant does not alter protein structure/function; Has not been previously published as pathogenic or benign to our knowledge

Labcorp Genetics (formerly Invitae), Labcorp
Classification: Uncertain significance for Progressive familial heart block type IB. Last evaluated: 2021-02-22. Review status: criteria provided, single submitter. Criteria: Invitae Variant Classification Sherloc (09022015). Collection method: clinical testing. Allele origin: germline.
Comment: This sequence change replaces serine with lysine at codon 560 of the TRPM4 protein (p.Ser560Lys). The serine residue is weakly conserved and there is a moderate physicochemical difference between serine and lysine. In summary, the available evidence is currently insufficient to determine the role of this variant in disease. Therefore, it has been classified as a Variant of Uncertain Significance. Algorithms developed to predict the effect of missense changes on protein structure and function are either unavailable or do not agree on the potential impact of this missense change (SIFT: "Not Available"; PolyPhen-2: "Benign"; Align-GVGD: "Not Available"). This variant has not been reported in the literature in individuals with TRPM4-related conditions. The frequency data for this variant in the population databases is not available, as this variant may be reported as separate entries in the ExAC database.

NM_017636.4(TRPM4):c.1679_1680delinsAA (p.Ser560Lys)

Gene: TRPM4 (transient receptor potential cation channel subfamily M member 4; plus strand). Cytogenetic location: 19q13.33.
Variant type: Indel.
Coding change: c.1679_1680delinsAA on transcript NM_017636.4 (MANE Select); coding-DNA positions 1679 to 1680, GC replaced by AA.
Protein change: p.Ser560Lys; replaces serine 560 with lysine.
Molecular consequence: missense variant.
Genome position (GRCh38, 1-based): chr19:49,183,148-49,183,149, GC replaced by AA. VCF-style: chr19-49183148-GC-AA. GRCh37 (hg19) VCF-style: chr19-49686405-GC-AA.
Other names: c.1679_1680delinsAA, p.Ser560Lys (NM_001195227.2); c.1334_1335delinsAA, p.Ser445Lys (NM_001321281.2); c.71_72delinsAA, p.Ser24Lys (NM_001321282.2); c.1157_1158delinsAA, p.Ser386Lys (NM_001321283.2); c.617_618delinsAA, p.Ser206Lys (NM_001321285.2); short protein forms S206K, S24K, S386K, S445K, S560K.
Identifiers: ClinVar variation 1318804 (VCV001318804.9), dbSNP rs2122941081, ClinGen allele CA2573054808.
Genomic context (GRCh38, chr19:49,183,148, plus strand): 5'-TCTCGGACAAGGCCACCTCGCCGCTCTCGCTGGATGCTGGCCTCGGGCAGGCCCCCTGGA[GC>AA]GACCTGCTTCTTTGGGCACTGTTGCTGAACAGGGCACAGATGGCCATGTACTTCTGGGAG-3'
Protein context (NP_060106.2, residues 550-570): LDAGLGQAPW[Ser560Lys]DLLLWALLLN